The following is an entry in ClinVar:

NM_001003722.2(GLE1):c.1896_1906del (p.Leu633fs)

Genes: GLE1 (GLE1 RNA export mediator; plus strand), LOC101929270 (uncharacterized LOC101929270; minus strand). Cytogenetic location: 9q34.11.
Variant type: Deletion.
Coding change: c.1896_1906del on transcript NM_001003722.2 (MANE Select); coding-DNA positions 1896 to 1906, 11 bases deleted (CCTCATGAAGC).
Protein change: p.Leu633fs; shifts the reading frame from leucine 633.
Molecular consequence: frameshift variant.
Genome position (GRCh38, 1-based): chr9:128,539,630-128,539,640, CCTCATGAAGC deleted; deleting any 11 consecutive bases within chr9:128,539,628-128,539,640 gives the same sequence; the c. name uses the placement nearest the transcript's 3' end. VCF-style (leftmost placement, unchanged base first): chr9-128539627-TGCCCTCATGAA-T. GRCh37 (hg19) VCF-style: chr9-131301906-TGCCCTCATGAA-T.
Other names: c.1896_1906delCCTCATGAAGC, p.Leu633Ilefs (NM_001003722.1); c.1923_1933del, p.Leu642fs (NM_001411013.1); c.1896_1906del, p.Leu633fs (NM_001499.2); short protein forms L633fs, L642fs.
Identifiers: ClinVar variation 4068736 (VCV004068736.2).

ClinVar aggregate classification (germline): Likely pathogenic (1 of 4 stars; one submission).

Conditions:
Lethal congenital contractural syndrome Finnish type.

Submission:

Natera, Inc.
Classification: Likely pathogenic for Lethal congenital contractural syndrome Finnish type. Last evaluated: 2025-05-12. Review status: criteria provided, single submitter. Criteria: Natera Variant Classification Schema (03/2026). Collection method: clinical testing. Allele origin: germline.
Comment: The c.1896_1906del variant in GLE1 is a frameshift variant predicted to shift the reading frame beginning at codon 633 and leads to a stop codon 21 codons downstream. This variant is expected to result in nonsense mediated decay, truncation, or a dysfunctional protein product. This variant is rare in the general population with a frequency below the threshold expected for the associated phenotype(s). Given the available evidence, this variant is classified as Likely Pathogenic.